The following is an entry in ClinVar:

ClinVar aggregate classification (germline): Uncertain significance (1 of 4 stars; one submission).

gnomAD v4.1: 1 of 1,611,644 alleles (0.000062%); highest among the groups gnomAD compares: Middle Eastern, 0.017%; no homozygotes.

Submission:

Labcorp Genetics (formerly Invitae), Labcorp
Classification: Uncertain significance. Last evaluated: 2023-07-13. Review status: criteria provided, single submitter. Criteria: Invitae Variant Classification Sherloc (09022015). Collection method: clinical testing. Allele origin: germline.
Comment: In summary, the available evidence is currently insufficient to determine the role of this variant in disease. Therefore, it has been classified as a Variant of Uncertain Significance. Algorithms developed to predict the effect of missense changes on protein structure and function output the following: SIFT: "Not Available"; PolyPhen-2: "Probably Damaging"; Align-GVGD: "Not Available". The glutamine amino acid residue is found in multiple mammalian species, which suggests that this missense change does not adversely affect protein function. This variant has not been reported in the literature in individuals affected with CREB3L3-related conditions. This variant is not present in population databases (gnomAD no frequency). This sequence change replaces proline, which is neutral and non-polar, with glutamine, which is neutral and polar, at codon 445 of the CREB3L3 protein (p.Pro445Gln).

NM_032607.3(CREB3L3):c.1334C>A (p.Pro445Gln)

Genes: CREB3L3 (cAMP responsive element binding protein 3 like 3; plus strand), LOC125371455 (Sharpr-MPRA regulatory region 11650; plus strand). Cytogenetic location: 19p13.3.
Variant type: single nucleotide variant.
Coding change: c.1334C>A on transcript NM_032607.3 (MANE Select); coding-DNA position 1334, C replaced by A.
Protein change: p.Pro445Gln; replaces proline 445 with glutamine.
Molecular consequence: missense variant. On other transcripts: 3 prime UTR variant (1).
Genome position (GRCh38, 1-based): chr19:4,171,917, C>A. VCF-style: chr19-4171917-C-A. GRCh37 (hg19) VCF-style: chr19-4171914-C-A.
Other names: c.1331C>A, p.Pro444Gln (NM_001271995.2); c.1328C>A, p.Pro443Gln (NM_001271996.2); c.*213C>A (NM_001271997.2); short protein forms P444Q, P445Q, P443Q.
Identifiers: ClinVar variation 2784569 (VCV002784569.3), dbSNP rs769936917, ClinGen allele CA403410431.
Genomic context (GRCh38, chr19:4,171,917, plus strand): 5'-TGAGGAATGCAACAGAGGGGCTGGGCCAGGTCGCCCTGCTGGACTGGGTGGCGCCTGGGC[C>A]GAGCACTGGCTCAGGACGTGCAGGGCTGGAGGCGGCGGGAGACGAGCTGTGAGCCCCGCC-3'
Protein context (NP_115996.1, residues 435-455): VALLDWVAPG[Pro445Gln]STGSGRAGLE